The following is an entry in ClinVar:

ClinVar aggregate classification (germline): Pathogenic. Review status: criteria provided, multiple submitters, no conflicts (2 of 4 stars). 2 submissions from 2 submitters: Pathogenic (2). Last evaluated 2025-09-17.

Conditions:
COL2A1-related disorder. Also called: COL2A1-related condition; COL2A1-related disorders.

Submissions (2):

Labcorp Genetics (formerly Invitae), Labcorp
Classification: Pathogenic. Last evaluated: 2025-09-17. Review status: criteria provided, single submitter. Criteria: Invitae Variant Classification Sherloc (09022015). Collection method: clinical testing. Allele origin: germline.
Comment: This sequence change replaces glycine, which is neutral and non-polar, with serine, which is neutral and polar, at codon 1176 of the COL2A1 protein (p.Gly1176Ser). This variant is not present in population databases (gnomAD no frequency). This missense change has been observed in individual(s) with clinical features of autosomal dominant COL2A1-related conditions (PMID: 7757086). It has also been observed to segregate with disease in related individuals. This variant is also known as p.Gly976Ser. ClinVar contains an entry for this variant (Variation ID: 1392328). Invitae Evidence Modeling of protein sequence and biophysical properties (such as structural, functional, and spatial information, amino acid conservation, physicochemical variation, residue mobility, and thermodynamic stability) indicates that this missense variant is expected to disrupt COL2A1 protein function with a positive predictive value of 95%. This variant disrupts the triple helix domain of COL2A1. Glycine residues within the Gly-Xaa-Yaa repeats of the triple helix domain are required for the structure and stability of fibrillar collagens (PMID: 7695699, 8218237, 19344236). In COL2A1, variants affecting these glycine residues are significantly enriched in individuals with disease (PMID: 9016532, 17078022) compared to the general population (ExAC). This variant disrupts the p.Gly1176 amino acid residue in COL2A1. Other variant(s) that disrupt this residue have been observed in individuals with COL2A1-related conditions (PMID: 7757086, 23079993), which suggests that this may be a clinically significant amino acid residue. For these reasons, this variant has been classified as Pathogenic.

Blueprint Genetics
Classification: Pathogenic for COL2A1-related disorders. Last evaluated: 2024-08-27. Review status: criteria provided, single submitter. Criteria: ACMG Guidelines, 2015. Collection method: clinical testing. Allele origin: germline. Affected: yes. Observed: 2 variant alleles.

Literature cited by the submitters: PubMed 7757086 (cited by Labcorp Genetics (formerly Invitae), Labcorp); PubMed 7695699 (cited by Labcorp Genetics (formerly Invitae), Labcorp); PubMed 8218237 (cited by Labcorp Genetics (formerly Invitae), Labcorp); PubMed 19344236 (cited by Labcorp Genetics (formerly Invitae), Labcorp); PubMed 9016532 (cited by Labcorp Genetics (formerly Invitae), Labcorp); PubMed 17078022 (cited by Labcorp Genetics (formerly Invitae), Labcorp); PubMed 23079993 (cited by Labcorp Genetics (formerly Invitae), Labcorp).

NM_001844.5(COL2A1):c.3526G>A (p.Gly1176Ser)

Gene: COL2A1 (collagen type II alpha 1 chain; minus strand). Cytogenetic location: 12q13.11.
Variant type: single nucleotide variant.
Coding change: c.3526G>A on transcript NM_001844.5 (MANE Select); coding-DNA position 3526, G replaced by A.
Protein change: p.Gly1176Ser; replaces glycine 1176 with serine.
Molecular consequence: missense variant.
Genome position (GRCh38, 1-based): chr12:47,976,034, C>T on the plus strand (G>A on the coding strand, the complement: COL2A1 is on the minus strand). VCF-style: chr12-47976034-C-T. GRCh37 (hg19) VCF-style: chr12-48369817-C-T.
Other names: c.3319G>A, p.Gly1107Ser (NM_033150.3); short protein forms G1176S, G1107S.
Identifiers: ClinVar variation 1392328 (VCV001392328.9), dbSNP rs2136514418, ClinGen allele CA384537390.